The following is an entry in ClinVar:

NM_033087.4(ALG2):c.578A>G (p.His193Arg)

Gene: ALG2 (ALG2 alpha-1,3/1,6-mannosyltransferase; minus strand). Cytogenetic location: 9q22.33.
Variant type: single nucleotide variant.
Coding change: c.578A>G on transcript NM_033087.4 (MANE Select); coding-DNA position 578, A replaced by G.
Protein change: p.His193Arg; replaces histidine 193 with arginine.
Molecular consequence: missense variant. On other transcripts: non-coding transcript variant (1).
Genome position (GRCh38, 1-based): chr9:99,218,607, T>C on the plus strand (A>G on the coding strand, the complement: ALG2 is on the minus strand). VCF-style: chr9-99218607-T-C. GRCh37 (hg19) VCF-style: chr9-101980889-T-C.
Other names: short protein forms H193R.
Identifiers: ClinVar variation 1375078 (VCV001375078.6), dbSNP rs749336918, ClinGen allele CA5156289.
Genomic context (GRCh38, chr9:99,218,607, plus strand): 5'-GGAACAACTGAGTCAAAGCTGGTGACATTTAGAGATGGATAGAGGACATCAGGGTCTATG[T>C]GAGACAGGGACTTGAATGTTTCCTTAAAAACAGCAGCTGTGAACTGGCTGTTGACTAAGA-3'
Protein context (NP_149078.1, residues 183-203): VFKETFKSLS[His193Arg]IDPDVLYPSL

ClinVar aggregate classification (germline): Uncertain significance (1 of 4 stars; one submission).

Conditions:
Congenital disorder of glycosylation, type Ii. Also called: ALG2-congenital disorder of glycosylation; ALG2-CDG; CDG Ii. Identifiers: Orphanet 79326, MedGen C1842836, MONDO:0011933, OMIM 607906.
Congenital myasthenic syndrome 14. Also called: Myasthenic syndrome, congenital, 14, with tubular aggregates. Identifiers: Orphanet 353327, Orphanet 590, MedGen C4015597, MONDO:0014543, OMIM 616228.

Allele frequency attached by ClinVar (database versions not stated): ExAC 0.00001; gnomAD exomes below 0.00001.
gnomAD v4.1: 1 of 1,614,194 alleles (0.000062%); highest among the groups gnomAD compares: Non-Finnish European, 0.000085%; no homozygotes.

Submission:

Labcorp Genetics (formerly Invitae), Labcorp
Classification: Uncertain significance for Congenital disorder of glycosylation, type Ii; Congenital myasthenic syndrome 14. Last evaluated: 2022-06-27. Review status: criteria provided, single submitter. Criteria: Invitae Variant Classification Sherloc (09022015). Collection method: clinical testing. Allele origin: germline.
Comment: In summary, the available evidence is currently insufficient to determine the role of this variant in disease. Therefore, it has been classified as a Variant of Uncertain Significance. Algorithms developed to predict the effect of missense changes on protein structure and function (SIFT, PolyPhen-2, Align-GVGD) all suggest that this variant is likely to be tolerated. This variant has not been reported in the literature in individuals affected with ALG2-related conditions. This variant is present in population databases (rs749336918, gnomAD 0.0009%). This sequence change replaces histidine, which is basic and polar, with arginine, which is basic and polar, at codon 193 of the ALG2 protein (p.His193Arg).